The following is an entry in ClinVar:

NM_005633.4(SOS1):c.392T>G (p.Val131Gly)

Gene: SOS1 (SOS Ras/Rac guanine nucleotide exchange factor 1; minus strand). Cytogenetic location: 2p22.1.
Variant type: single nucleotide variant.
Coding change: c.392T>G on transcript NM_005633.4 (MANE Select); coding-DNA position 392, T replaced by G.
Protein change: p.Val131Gly; replaces valine 131 with glycine.
Molecular consequence: missense variant.
Genome position (GRCh38, 1-based): chr2:39,056,820, A>C on the plus strand (T>G on the coding strand, the complement: SOS1 is on the minus strand). VCF-style: chr2-39056820-A-C. GRCh37 (hg19) VCF-style: chr2-39283961-A-C.
Other names: c.371T>G, p.Val124Gly (NM_001382394.1); c.392T>G, p.Val131Gly (NM_001382395.1); short protein forms V124G, V131G.
Identifiers: ClinVar variation 2840337 (VCV002840337.3), dbSNP rs754751004, ClinGen allele CA346373655.

ClinVar aggregate classification (germline): Uncertain significance (1 of 4 stars; one submission).

Conditions:
RASopathy. Also called: Noonan spectrum disorder; rasopathies. Identifiers: Orphanet 536391, MedGen C5555857, MONDO:0021060.

Submission:

Labcorp Genetics (formerly Invitae), Labcorp
Classification: Uncertain significance for RASopathy. Last evaluated: 2023-02-24. Review status: criteria provided, single submitter. Criteria: Invitae Variant Classification Sherloc (09022015). Collection method: clinical testing. Allele origin: germline.
Comment: Algorithms developed to predict the effect of sequence changes on RNA splicing suggest that this variant may create or strengthen a splice site. Advanced modeling of protein sequence and biophysical properties (such as structural, functional, and spatial information, amino acid conservation, physicochemical variation, residue mobility, and thermodynamic stability) performed at Invitae indicates that this missense variant is expected to disrupt SOS1 protein function. This variant has not been reported in the literature in individuals affected with SOS1-related conditions. This variant is not present in population databases (gnomAD no frequency). This sequence change replaces valine, which is neutral and non-polar, with glycine, which is neutral and non-polar, at codon 131 of the SOS1 protein (p.Val131Gly). In summary, the available evidence is currently insufficient to determine the role of this variant in disease. Therefore, it has been classified as a Variant of Uncertain Significance.